The following is an entry in ClinVar:

ClinVar aggregate classification (germline): Uncertain significance (1 of 4 stars; one submission).

Allele frequency attached by ClinVar (database versions not stated): ExAC 0.00001; gnomAD exomes 0.00001.
gnomAD v4.1: 4 of 1,613,908 alleles (0.00025%); highest among the groups gnomAD compares: Admixed American, 0.0067%; no homozygotes.

Submission:

Labcorp Genetics (formerly Invitae), Labcorp
Classification: Uncertain significance. Last evaluated: 2022-08-23. Review status: criteria provided, single submitter. Criteria: Invitae Variant Classification Sherloc (09022015). Collection method: clinical testing. Allele origin: germline.
Comment: This variant is present in population databases (rs746603282, gnomAD 0.009%). In summary, the available evidence is currently insufficient to determine the role of this variant in disease. Therefore, it has been classified as a Variant of Uncertain Significance. Algorithms developed to predict the effect of missense changes on protein structure and function are either unavailable or do not agree on the potential impact of this missense change (SIFT: "Deleterious"; PolyPhen-2: "Benign"; Align-GVGD: "Class C0"). This variant has not been reported in the literature in individuals affected with NEK2-related conditions. This sequence change replaces serine, which is neutral and polar, with tyrosine, which is neutral and polar, at codon 408 of the NEK2 protein (p.Ser408Tyr).

NM_002497.4(NEK2):c.1223C>A (p.Ser408Tyr)

Gene: NEK2 (NIMA related kinase 2; minus strand). Cytogenetic location: 1q32.3.
Variant type: single nucleotide variant.
Coding change: c.1223C>A on transcript NM_002497.4 (MANE Select); coding-DNA position 1223, C replaced by A.
Protein change: p.Ser408Tyr; replaces serine 408 with tyrosine.
Molecular consequence: missense variant. On other transcripts: intron variant (1).
Genome position (GRCh38, 1-based): chr1:211,663,541, G>T on the plus strand (C>A on the coding strand, the complement: NEK2 is on the minus strand). VCF-style: chr1-211663541-G-T. GRCh37 (hg19) VCF-style: chr1-211836883-G-T.
Other names: c.1111+3565C>A (NM_001204182.2); short protein forms S408Y.
Identifiers: ClinVar variation 1973960 (VCV001973960.5), dbSNP rs746603282, ClinGen allele CA1381476.
Genomic context (GRCh38, chr1:211,663,541, plus strand): 5'-GACAGGGCTTGAGCCCGCAGCTGGGCAGCGTGAAGCCTTTTCTTCAGGTCCTTGCACTTG[G>T]ACTTAGATGTGAGCTGACTCTCAGAATTCTCACTCCTCATGATGTTCTCTTTACTTTCCC-3'
Protein context (NP_002488.1, residues 398-418): ENSESQLTSK[Ser408Tyr]KCKDLKKRLH